The following is an entry in ClinVar:

ClinVar aggregate classification (germline): Benign (1 of 4 stars; one submission).

Allele frequency attached by ClinVar (database versions not stated): TOPMed 0.84654; gnomAD 0.85364 and 0.86301; 1000 Genomes Project 30x 0.85884; 1000 Genomes Project 0.86701.
gnomAD v4.1: 131,551 of 152,246 alleles (86%); highest among the groups gnomAD compares: East Asian, 100%; 58,799 homozygotes.

Submission:

GeneDx
Classification: Benign. Last evaluated: 2018-06-14. Review status: criteria provided, single submitter. Criteria: GeneDx Variant Classification (06012015). Collection method: clinical testing. Allele origin: germline. Affected: yes.
Comment: This variant is considered likely benign or benign based on one or more of the following criteria: it is a conservative change, it occurs at a poorly conserved position in the protein, it is predicted to be benign by multiple in silico algorithms, and/or has population frequency not consistent with disease.

NM_005002.5(NDUFA9):c.553-268A>G

Gene: NDUFA9 (NADH:ubiquinone oxidoreductase subunit A9; plus strand). Cytogenetic location: 12p13.32.
Variant type: single nucleotide variant.
Coding change: c.553-268A>G on transcript NM_005002.5 (MANE Select); 268 bases into the intron before coding-DNA position 553, A replaced by G.
Molecular consequence: intron variant.
Genome position (GRCh38, 1-based): chr12:4,662,265, A>G. VCF-style: chr12-4662265-A-G. GRCh37 (hg19) VCF-style: chr12-4771431-A-G.
Identifiers: ClinVar variation 682713 (VCV000682713.1), dbSNP rs10849115, ClinGen allele CA15730009.